The following is an entry in ClinVar:

NM_001130009.3(GEN1):c.1376A>G (p.Gln459Arg)

Gene: GEN1 (GEN1 structure-specific endonuclease; plus strand). Cytogenetic location: 2p24.2.
Variant type: single nucleotide variant.
Coding change: c.1376A>G on transcript NM_001130009.3 (MANE Select); coding-DNA position 1376, A replaced by G.
Protein change: p.Gln459Arg; replaces glutamine 459 with arginine.
Molecular consequence: missense variant.
Genome position (GRCh38, 1-based): chr2:17,780,089, A>G. VCF-style: chr2-17780089-A-G. GRCh37 (hg19) VCF-style: chr2-17961356-A-G.
Other names: c.1376A>G, p.Gln459Arg (NM_182625.5); short protein forms Q459R.
Identifiers: ClinVar variation 1491930 (VCV001491930.6), dbSNP rs763725122, ClinGen allele CA345924067.

ClinVar aggregate classification (germline): Uncertain significance (1 of 4 stars; one submission).

Submission:

Labcorp Genetics (formerly Invitae), Labcorp
Classification: Uncertain significance. Last evaluated: 2021-09-20. Review status: criteria provided, single submitter. Criteria: Invitae Variant Classification Sherloc (09022015). Collection method: clinical testing. Allele origin: germline.
Comment: In summary, the available evidence is currently insufficient to determine the role of this variant in disease. Therefore, it has been classified as a Variant of Uncertain Significance. This sequence change replaces glutamine with arginine at codon 459 of the GEN1 protein (p.Gln459Arg). The glutamine residue is moderately conserved and there is a small physicochemical difference between glutamine and arginine. This variant is not present in population databases (ExAC no frequency). This variant has not been reported in the literature in individuals affected with GEN1-related conditions. Algorithms developed to predict the effect of missense changes on protein structure and function (SIFT, PolyPhen-2, Align-GVGD) all suggest that this variant is likely to be tolerated.